The following is an entry in ClinVar:

ClinVar aggregate classification (germline): Benign. Review status: criteria provided, multiple submitters, no conflicts (2 of 4 stars). 5 submissions from 5 submitters: Benign (5). Last evaluated 2026-01-31.

Conditions:
Spondylocostal dysostosis 1, autosomal recessive (SCDO1). Also called: DLL3-Related Spondylocostal Dysostosis, Autosomal Recessive. Identifiers: Orphanet 2311, MedGen CN032975, MONDO:0020692, OMIM 277300.

Allele frequency attached by ClinVar (database versions not stated): ExAC 0.00283; ESP Exome Variant Server 0.00963; gnomAD 0.01391; TOPMed 0.01590; 1000 Genomes Project 0.01637; 1000 Genomes Project 30x 0.01733.
gnomAD v4.1: 4,150 of 1,543,398 alleles (0.27%); highest among the groups gnomAD compares: African/African-American, 4.9%; 84 homozygotes.

Submissions (5):

Labcorp Genetics (formerly Invitae), Labcorp
Classification: Benign. Last evaluated: 2026-01-31. Review status: criteria provided, single submitter. Criteria: Invitae Variant Classification Sherloc (09022015). Collection method: clinical testing. Allele origin: germline.

ARUP Laboratories, Molecular Genetics and Genomics, ARUP Laboratories
Classification: Benign for Spondylocostal dysostosis 1, autosomal recessive. Last evaluated: 2023-11-28. Review status: criteria provided, single submitter. Criteria: ARUP Molecular Germline Variant Investigation Process 2024. Collection method: clinical testing. Allele origin: germline.

GeneDx
Classification: Benign. Last evaluated: 2016-10-31. Review status: criteria provided, single submitter. Criteria: GeneDx Variant Classification (06012015). Collection method: clinical testing. Allele origin: germline. Affected: yes.
Comment: This variant is considered likely benign or benign based on one or more of the following criteria: it is a conservative change, it occurs at a poorly conserved position in the protein, it is predicted to be benign by multiple in silico algorithms, and/or has population frequency not consistent with disease.

Breakthrough Genomics
Classification: Benign. Review status: criteria provided, single submitter. Criteria: ACMG Guidelines, 2015. Collection method: not provided. Allele origin: germline. Inheritance: Autosomal recessive inheritance. Affected: yes.

PreventionGenetics, part of Exact Sciences
Classification: Benign. Review status: criteria provided, single submitter. Criteria: ACMG Guidelines, 2015. Collection method: clinical testing. Allele origin: germline.

NM_203486.3(DLL3):c.1152G>A (p.Ala384=)

Gene: DLL3 (delta like canonical Notch ligand 3; plus strand). Cytogenetic location: 19q13.2.
Variant type: single nucleotide variant.
Coding change: c.1152G>A on transcript NM_203486.3 (MANE Select); coding-DNA position 1152, G replaced by A.
Protein change: p.Ala384=; no amino-acid change (alanine 384 retained).
Molecular consequence: synonymous variant.
Genome position (GRCh38, 1-based): chr19:39,507,097, G>A. VCF-style: chr19-39507097-G-A. GRCh37 (hg19) VCF-style: chr19-39997737-G-A.
Other names: c.1152G>A, p.Ala384= (NM_016941.4).
Identifiers: ClinVar variation 260773 (VCV000260773.12), dbSNP rs115456333, ClinGen allele CA9432383.